The following is an entry in ClinVar:

NM_000426.4(LAMA2):c.1255A>G (p.Ile419Val)

Gene: LAMA2 (laminin subunit alpha 2; plus strand). Cytogenetic location: 6q22.33.
Variant type: single nucleotide variant.
Coding change: c.1255A>G on transcript NM_000426.4 (MANE Select); coding-DNA position 1255, A replaced by G.
Protein change: p.Ile419Val; replaces isoleucine 419 with valine.
Molecular consequence: missense variant.
Genome position (GRCh38, 1-based): chr6:129,165,624, A>G. VCF-style: chr6-129165624-A-G. GRCh37 (hg19) VCF-style: chr6-129486769-A-G.
Other names: c.1255A>G, p.Ile419Val (NM_001079823.2); short protein forms I419V.
Identifiers: ClinVar variation 1513122 (VCV001513122.4), dbSNP rs746051487, ClinGen allele CA3992567.

ClinVar aggregate classification (germline): Uncertain significance (1 of 4 stars; one submission).

Conditions:
LAMA2-related muscular dystrophy (LAMA2-RD). Also called: Laminin alpha 2-related dystrophy. Identifiers: MedGen C5679788, MONDO:0100228.

Allele frequency attached by ClinVar (database versions not stated): gnomAD 0.00001; gnomAD exomes 0.00002; ExAC 0.00004.
gnomAD v4.1: 14 of 1,613,366 alleles (0.00087%); highest among the groups gnomAD compares: African/African-American, 0.0027%; no homozygotes.

Submission:

Labcorp Genetics (formerly Invitae), Labcorp
Classification: Uncertain significance for LAMA2-related muscular dystrophy. Last evaluated: 2025-07-14. Review status: criteria provided, single submitter. Criteria: Invitae Variant Classification Sherloc (09022015). Collection method: clinical testing. Allele origin: germline.
Comment: This sequence change replaces isoleucine, which is neutral and non-polar, with valine, which is neutral and non-polar, at codon 419 of the LAMA2 protein (p.Ile419Val). This variant is present in population databases (rs746051487, gnomAD 0.004%). This variant has not been reported in the literature in individuals affected with LAMA2-related conditions. ClinVar contains an entry for this variant (Variation ID: 1513122). Invitae Evidence Modeling of protein sequence and biophysical properties (such as structural, functional, and spatial information, amino acid conservation, physicochemical variation, residue mobility, and thermodynamic stability) indicates that this missense variant is not expected to disrupt LAMA2 protein function with a negative predictive value of 95%. In summary, the available evidence is currently insufficient to determine the role of this variant in disease. Therefore, it has been classified as a Variant of Uncertain Significance.